The following is an entry in ClinVar:

NM_001122630.2(CDKN1C):c.58C>A (p.Arg20Ser)

Gene: CDKN1C (cyclin dependent kinase inhibitor 1C; minus strand). Cytogenetic location: 11p15.4.
Variant type: single nucleotide variant.
Coding change: c.58C>A on transcript NM_001122630.2 (MANE Select); coding-DNA position 58, C replaced by A.
Protein change: p.Arg20Ser; replaces arginine 20 with serine.
Molecular consequence: missense variant.
Genome position (GRCh38, 1-based): chr11:2,885,399, G>T on the plus strand (C>A on the coding strand, the complement: CDKN1C is on the minus strand). VCF-style: chr11-2885399-G-T. GRCh37 (hg19) VCF-style: chr11-2906629-G-T.
Other names: c.91C>A, p.Arg31Ser (LRG_533t1, NM_000076.2, NM_001362474.2); c.58C>A, p.Arg20Ser (NM_001122631.2, NM_001362475.2); short protein forms R31S, R20S.
Identifiers: ClinVar variation 524716 (VCV000524716.13), dbSNP rs1467420956, ClinGen allele CA379147806.

ClinVar aggregate classification (germline): Uncertain significance. Review status: criteria provided, multiple submitters, no conflicts (2 of 4 stars). 4 submissions from 4 submitters: Uncertain significance (4). Last evaluated 2025-06-26.

Conditions:
Beckwith-Wiedemann syndrome (BWS). Also called: EMG SYNDROME; Exomphalos macroglossia gigantism syndrome. Identifiers: Orphanet 116, MedGen C0004903, MONDO:0007534, OMIM 130650.

Submissions (4):

3billion
Classification: Uncertain significance for Beckwith-Wiedemann syndrome. Last evaluated: 2025-06-26. Review status: criteria provided, single submitter. Criteria: ACMG Guidelines, 2015. Collection method: clinical testing. Allele origin: germline. Affected: yes.
Comment: The variant is not observed in the gnomAD v4.1.0 dataset. Predicted Consequence/Location: Missense variant. The majority of the known disease-causing variants of this gene are variants expected to result in premature termination of the protein. In silico tool predictions suggest damaging effect of the variant on gene or gene product [REVEL: 0.83 (>=0.6, sensitivity 0.68 and specificity 0.92)]. The variant has been reported as of uncertain significance (ClinVar ID: VCV000524716). Different missense changes at the same codon have been reported as of uncertain significance (ClinVar ID: VCV000579233, VCV001425275, VCV001437960). Therefore, this variant is classified as VUS according to the recommendation of ACMG/AMP guideline.

GeneDx
Classification: Uncertain significance. Last evaluated: 2023-06-20. Review status: criteria provided, single submitter. Criteria: GeneDx Variant Classification Process June 2021. Collection method: clinical testing. Allele origin: germline. Affected: yes.
Comment: Not observed at significant frequency in large population cohorts (gnomAD); In silico analysis supports that this missense variant has a deleterious effect on protein structure/function; Has not been previously published as pathogenic or benign to our knowledge

Revvity Omics, Revvity
Classification: Uncertain significance. Last evaluated: 2021-06-30. Review status: criteria provided, single submitter. Criteria: ACMG Guidelines, 2015. Collection method: clinical testing. Allele origin: germline.

Labcorp Genetics (formerly Invitae), Labcorp
Classification: Uncertain significance for Beckwith-Wiedemann syndrome. Last evaluated: 2017-12-12. Review status: criteria provided, single submitter. Criteria: Invitae Variant Classification Sherloc (09022015). Collection method: clinical testing. Allele origin: germline.
Comment: In summary, the available evidence is currently insufficient to determine the role of this variant in disease. Therefore, it has been classified as a Variant of Uncertain Significance. Algorithms developed to predict the effect of missense changes on protein structure and function (SIFT, PolyPhen-2, Align-GVGD) all suggest that this variant is likely to be disruptive, but these predictions have not been confirmed by published functional studies and their clinical significance is uncertain. This variant has not been reported in the literature in individuals with CDKN1C-related disease. This variant is not present in population databases (ExAC no frequency). This sequence change replaces arginine with serine at codon 31 of the CDKN1C protein (p.Arg31Ser). The arginine residue is highly conserved and there is a moderate physicochemical difference between arginine and serine.